The following is an entry in ClinVar:

NM_002109.6(HARS1):c.145G>A (p.Glu49Lys)

Gene: HARS1 (histidyl-tRNA synthetase 1; minus strand). Cytogenetic location: 5q31.3.
Variant type: single nucleotide variant.
Coding change: c.145G>A on transcript NM_002109.6 (MANE Select); coding-DNA position 145, G replaced by A.
Protein change: p.Glu49Lys; replaces glutamic acid 49 with lysine.
Molecular consequence: missense variant.
Genome position (GRCh38, 1-based): chr5:140,690,890, C>T on the plus strand (G>A on the coding strand, the complement: HARS1 is on the minus strand). VCF-style: chr5-140690890-C-T. GRCh37 (hg19) VCF-style: chr5-140070475-C-T.
Other names: c.145G>A, p.Glu49Lys (NM_001258040.3, NM_001258041.3, NM_001258042.3 and 2 more transcripts); c.58G>A, p.Glu20Lys (NM_001289094.2); short protein forms E20K, E49K.
Identifiers: ClinVar variation 2740396 (VCV002740396.3), dbSNP rs2481338777, ClinGen allele CA361191432.

ClinVar aggregate classification (germline): Uncertain significance (1 of 4 stars; one submission).

Conditions:
Usher syndrome type 3B. Also called: USHER SYNDROME, TYPE IIIB. Identifiers: MedGen C3281066, MONDO:0013788, OMIM 614504.

Submission:

Labcorp Genetics (formerly Invitae), Labcorp
Classification: Uncertain significance for Usher syndrome type 3B. Last evaluated: 2023-07-10. Review status: criteria provided, single submitter. Criteria: Invitae Variant Classification Sherloc (09022015). Collection method: clinical testing. Allele origin: germline.
Comment: This variant has not been reported in the literature in individuals affected with HARS-related conditions. This sequence change replaces glutamic acid, which is acidic and polar, with lysine, which is basic and polar, at codon 49 of the HARS protein (p.Glu49Lys). This variant is not present in population databases (gnomAD no frequency). An algorithm developed to predict the effect of missense changes on protein structure and function (PolyPhen-2) suggests that this variant is likely to be tolerated. In summary, the available evidence is currently insufficient to determine the role of this variant in disease. Therefore, it has been classified as a Variant of Uncertain Significance.